The following is an entry in ClinVar:

NM_004329.3(BMPR1A):c.1023T>C (p.Gly341=)

Gene: BMPR1A (bone morphogenetic protein receptor type 1A; plus strand). Cytogenetic location: 10q23.2.
Variant type: single nucleotide variant.
Coding change: c.1023T>C on transcript NM_004329.3 (MANE Select); coding-DNA position 1023, T replaced by C.
Protein change: p.Gly341=; no amino-acid change (glycine 341 retained).
Molecular consequence: synonymous variant.
Genome position (GRCh38, 1-based): chr10:86,919,326, T>C. VCF-style: chr10-86919326-T-C. GRCh37 (hg19) VCF-style: chr10-88679083-T-C.
Identifiers: ClinVar variation 1564055 (VCV001564055.9), dbSNP rs2133591869, ClinGen allele CA470373032.

ClinVar aggregate classification (germline): Benign/Likely benign. Review status: criteria provided, multiple submitters, no conflicts (2 of 4 stars). 2 submissions from 2 submitters: Benign (1); Likely benign (1). Last evaluated 2024-08-06.

Conditions:
Juvenile polyposis syndrome (JPS). Identifiers: Orphanet 2929, MedGen C0345893, MONDO:0017380, OMIM 174900.

Submissions (2):

Myriad Genetics, Inc.
Classification: Benign for Juvenile polyposis syndrome. Last evaluated: 2024-08-06. Review status: criteria provided, single submitter. Criteria: Myriad Autosomal Dominant, Autosomal Recessive and X-Linked Classification Criteria (2023). Collection method: clinical testing. Allele origin: unknown.
Comment: This variant is considered benign. This variant is a silent/synonymous amino acid change and it is not expected to impact splicing.

Labcorp Genetics (formerly Invitae), Labcorp
Classification: Likely benign for Juvenile polyposis syndrome. Last evaluated: 2023-11-17. Review status: criteria provided, single submitter. Criteria: Invitae Variant Classification Sherloc (09022015). Collection method: clinical testing. Allele origin: germline.